The following is an entry in ClinVar:

ClinVar aggregate classification (germline): Conflicting classifications of pathogenicity. Review status: criteria provided, conflicting classifications (1 of 4 stars). 9 submissions from 8 submitters: Pathogenic (6); Likely pathogenic (1); Uncertain significance (2). Last evaluated 2025-11-13.

Conditions:
Orofacial-digital syndrome III (OFD3). Also called: SUGARMAN SYNDROME; Orofaciodigital syndrome III; OFDS III; ORAL-FACIAL-DIGITAL SYNDROME, TYPE III. Identifiers: Orphanet 2752, MedGen C0406726, MONDO:0009793, OMIM 258850.
Joubert syndrome and related disorders. Identifiers: Orphanet 140874, MedGen C5679612, MONDO:0015369.
Joubert syndrome 20 (JBTS20). Identifiers: Orphanet 475, MedGen C3554235, MONDO:0013994, OMIM 614970.
TMEM231-related disorder. Also called: TMEM231-related condition.
Inborn genetic diseases. Identifiers: MedGen C0950123, MeSH D030342.
Meckel syndrome, type 11 (MKS11). Identifiers: Orphanet 564, MedGen C3809352, MONDO:0014164, OMIM 615397.

Allele frequency attached by ClinVar (database versions not stated): gnomAD exomes 0.00007 and 0.00020; gnomAD 0.00008 and 0.00009.
gnomAD v4.1: 287 of 1,486,618 alleles (0.019%); highest among the groups gnomAD compares: Non-Finnish European, 0.024%; no homozygotes.

Submissions (9):

GeneDx
Classification: Pathogenic. Last evaluated: 2025-11-13. Review status: criteria provided, single submitter. Criteria: GeneDx Variant Classification Process June 2021. Collection method: clinical testing. Allele origin: germline. Affected: yes.
Comment: Identified in patients with orofaciodigital syndrome in published literature (PMID: 25869670, 28289185); Published functional studies demonstrate a damaging effect (PMID: 25869670); In silico analysis supports that this missense variant has a deleterious effect on protein structure/function; This variant is associated with the following publications: (PMID: 25869670, 28289185, 26489029, 34354814, 34958143, 37230223, 38868576)

Labcorp Genetics (formerly Invitae), Labcorp
Classification: Pathogenic for Joubert syndrome 20; Meckel syndrome, type 11. Last evaluated: 2025-11-04. Review status: criteria provided, single submitter. Criteria: Invitae Variant Classification Sherloc (09022015). Collection method: clinical testing. Allele origin: germline.
Comment: This sequence change replaces proline, which is neutral and non-polar, with alanine, which is neutral and non-polar, at codon 178 of the TMEM231 protein (p.Pro178Ala). The frequency data for this variant in the population databases is considered unreliable, as metrics indicate poor data quality at this position in the gnomAD database. This missense change has been observed in individual(s) with Joubert syndrome and related disorders (PMID: 25869670, 26489029). In at least one individual the data is consistent with being in trans (on the opposite chromosome) from a pathogenic variant. It has also been observed to segregate with disease in related individuals. This variant is also known as c.373C>G p.Pro125Ala. ClinVar contains an entry for this variant (Variation ID: 871667). Algorithms developed to predict the effect of variants on gene product structure and function are not available or were not evaluated for this variant. Experimental studies have shown that this missense change affects TMEM231 function (PMID: 25869670). For these reasons, this variant has been classified as Pathogenic.

Dasa
Classification: Likely pathogenic. Last evaluated: 2025-08-21. Review status: criteria provided, single submitter. Criteria: DASA Assertion Criteria. Collection method: clinical testing. Allele origin: germline.
Comment: NM_001077418.3(TMEM231):c.373C>G (p.Pro125Ala) is a missense variant that results in the substitution of proline with alanine. Segregation data support an association with disease in the reported family/families (PMID: 25869670). This variant has been recurrently observed in individuals with TMEM231-related disorders (PMID: 25869670; PMID: 28289185). Functional evidence supports an impact on the gene or gene product (PMID: 25869670; PMID: 28289185). Also, this variant is rare in population databases. Based on the currently available evidence, this variant is classified as likely pathogenic.

Blueprint Genetics
Classification: Pathogenic for TMEM231-related disorders. Last evaluated: 2024-09-17. Review status: criteria provided, single submitter. Criteria: ACMG Guidelines, 2015. Collection method: clinical testing. Allele origin: germline. Affected: yes. Observed: 5 variant alleles.

Women's Health and Genetics/Laboratory Corporation of America, LabCorp
Classification: Pathogenic for Joubert syndrome and related disorders. Last evaluated: 2022-04-19. Review status: criteria provided, single submitter. Criteria: LabCorp Variant Classification Summary - May 2015. Collection method: clinical testing. Allele origin: germline.
Comment: Variant summary: TMEM231 c.532C>G (p.Pro178Ala) results in a non-conservative amino acid change in the encoded protein sequence. Five of five in-silico tools predict a damaging effect of the variant on protein function. The variant allele was found at a frequency of 6.8e-05 in 146712 control chromosomes. This frequency is not significantly higher than estimated for a pathogenic variant in TMEM231 causing Joubert Syndrome And Related Disorders (6.8e-05 vs 0.0004), allowing no conclusion about variant significance. c.532C>G has been reported in the literature as c.373C>G (p.Pro125Ala) or c.460C>G (p.Pro154Ala) in homozygous and compound heterozygous genotypes among multiple individuals affected with features of TMEM-231 related cilopathies such as Orofaciodigital Type 3 and Meckel syndromes (example, Roberson_2015, cited in Al Alawi_2021). These data indicate that the variant is very likely to be associated with disease. To our knowledge, no direct experimental evidence demonstrating an impact on protein function has been reported, although the possibility of a hypomorphic impact resulting in a partial compromise of TMEM231 function has been reported (Roberson_2015). Five clinical diagnostic laboratories have submitted clinical-significance assessments for this variant to ClinVar after 2014 without evidence for independent evaluation (Pathogenic, n=3; VUS, n=2). Multiple laboratories reported the variant with conflicting assessments. Based on the evidence outlined above, the variant was classified as pathogenic.

Ambry Genetics
Classification: Uncertain significance for Inborn genetic diseases. Last evaluated: 2021-05-17. Review status: criteria provided, single submitter. Criteria: Ambry Variant Classification Scheme 2023. Collection method: clinical testing. Allele origin: germline.

CeGaT Center for Human Genetics Tuebingen
Classification: Pathogenic. Last evaluated: 2020-03-01. Review status: criteria provided, single submitter. Criteria: CeGaT Center For Human Genetics Tuebingen Variant Classification Criteria Version 2. Collection method: clinical testing. Allele origin: germline. Affected: yes. Observed: 3 variant alleles.

Baylor Genetics
Classification: Uncertain significance for Joubert syndrome 20. Last evaluated: 2018-12-24. Review status: criteria provided, single submitter. Criteria: ACMG Guidelines, 2015. Collection method: clinical testing. Allele origin: unknown. Affected: yes.
Comment: This variant was determined to be of uncertain significance according to ACMG Guidelines, 2015 [PMID:25741868].

Baylor Genetics
Classification: Pathogenic for Orofacial-digital syndrome III. Review status: criteria provided, single submitter. Criteria: ACMG Guidelines, 2015. Collection method: clinical testing. Allele origin: unknown.

Literature cited by the submitters: PubMed 25869670 (cited by 3 submitters); PubMed 26489029 (cited by Labcorp Genetics (formerly Invitae), Labcorp); PubMed 28289185 (cited by Dasa); PubMed 34354814 (cited by Women's Health and Genetics/Laboratory Corporation of America, LabCorp).

NM_001077418.3(TMEM231):c.373C>G (p.Pro125Ala)

Gene: TMEM231 (transmembrane protein 231; minus strand). Cytogenetic location: 16q23.1.
Variant type: single nucleotide variant.
Coding change: c.373C>G on transcript NM_001077418.3 (MANE Select); coding-DNA position 373, C replaced by G.
Protein change: p.Pro125Ala; replaces proline 125 with alanine.
Molecular consequence: missense variant. On other transcripts: non-coding transcript variant (1).
Genome position (GRCh38, 1-based): chr16:75,545,891, G>C on the plus strand (C>G on the coding strand, the complement: TMEM231 is on the minus strand). VCF-style: chr16-75545891-G-C. GRCh37 (hg19) VCF-style: chr16-75579789-G-C.
Other names: c.532C>G, p.Pro178Ala (NM_001077416.2); short protein forms P125A, P178A.
Identifiers: ClinVar variation 871667 (VCV000871667.61), dbSNP rs1442638461, ClinGen allele CA396807047.